The following is an entry in ClinVar:

NM_002087.4(GRN):c.743C>T (p.Pro248Leu)

Genes: GRN (granulin precursor; plus strand), LOC125177489 (Sharpr-MPRA regulatory region 15390; plus strand). Cytogenetic location: 17q21.31.
Variant type: single nucleotide variant.
Coding change: c.743C>T on transcript NM_002087.4 (MANE Select); coding-DNA position 743, C replaced by T.
Protein change: p.Pro248Leu; replaces proline 248 with leucine.
Molecular consequence: missense variant.
Genome position (GRCh38, 1-based): chr17:44,351,071, C>T. VCF-style: chr17-44351071-C-T. GRCh37 (hg19) VCF-style: chr17-42428439-C-T.
Other names: short protein forms P248L.
Identifiers: ClinVar variation 98151 (VCV000098151.3), dbSNP rs63750344, ClinGen allele CA225271.

ClinVar aggregate classification (germline): Uncertain significance. Review status: criteria provided, single submitter (1 of 4 stars). 2 submissions from 2 submitters: Uncertain significance (1). 1 of the submissions does not count toward it. Last evaluated 2022-08-24.

Conditions:
GRN-related frontotemporal lobar degeneration with Tdp43 inclusions (FTD2). Also called: DEMENTIA, HEREDITARY DYSPHASIC DISINHIBITION; FRONTOTEMPORAL LOBAR DEGENERATION WITH UBIQUITIN-POSITIVE INCLUSIONS; FTLD-TDP, GRN-RELATED; FRONTOTEMPORAL DEMENTIA WITH TDP43 INCLUSIONS, GRN-RELATED; GRN Frontotemporal Dementia. Identifiers: Orphanet 100070, Orphanet 282, MedGen C1843792, MONDO:0011842, OMIM 607485. Disease mechanism: loss of function.
Neuronal ceroid lipofuscinosis 11. Also called: GRN-Related Neuronal Ceroid-Lipofuscinosis. Identifiers: Orphanet 314629, Orphanet 79262, MedGen C3539123, MONDO:0013866, OMIM 614706.

Allele frequency attached by ClinVar (database versions not stated): gnomAD exomes below 0.00001.

Submissions (2):

Labcorp Genetics (formerly Invitae), Labcorp
Classification: Uncertain significance for Neuronal ceroid lipofuscinosis 11; GRN-related frontotemporal lobar degeneration with Tdp43 inclusions. Last evaluated: 2022-08-24. Review status: criteria provided, single submitter. Criteria: Invitae Variant Classification Sherloc (09022015). Collection method: clinical testing. Allele origin: germline.
Comment: This sequence change replaces proline, which is neutral and non-polar, with leucine, which is neutral and non-polar, at codon 248 of the GRN protein (p.Pro248Leu). This variant is not present in population databases (gnomAD no frequency). This missense change has been observed in individual(s) with frontotemporal dementia (PMID: 17345602). This variant is also known as EX7+35C>T. ClinVar contains an entry for this variant (Variation ID: 98151). Algorithms developed to predict the effect of missense changes on protein structure and function are either unavailable or do not agree on the potential impact of this missense change (SIFT: "Deleterious"; PolyPhen-2: "Probably Damaging"; Align-GVGD: "Class C0"). Experimental studies have shown that this missense change affects GRN function (PMID: 17984093, 22781549). In summary, the available evidence is currently insufficient to determine the role of this variant in disease. Therefore, it has been classified as a Variant of Uncertain Significance.

VIB  Department of Molecular Genetics, University of Antwerp
No classification provided. Review status: no classification provided. Collection method: not provided. Allele origin: unknown. Not counted in ClinVar's aggregate classification.

Literature cited by the submitters: PubMed 17345602 (cited by Labcorp Genetics (formerly Invitae), Labcorp); PubMed 17984093 (cited by Labcorp Genetics (formerly Invitae), Labcorp); PubMed 22781549 (cited by Labcorp Genetics (formerly Invitae), Labcorp).